The following is an entry in ClinVar:

ClinVar aggregate classification (germline): Uncertain significance. Review status: criteria provided, multiple submitters, no conflicts (2 of 4 stars). 2 submissions from 2 submitters: Uncertain significance (2). Last evaluated 2024-10-02.

Conditions:
Inborn genetic diseases. Identifiers: MedGen C0950123, MeSH D030342.

gnomAD v4.1: 4 of 1,614,194 alleles (0.00025%); highest among the groups gnomAD compares: Non-Finnish European, 0.00025%; no homozygotes.

Submissions (2):

Ambry Genetics
Classification: Uncertain significance for Inborn genetic diseases. Last evaluated: 2024-10-02. Review status: criteria provided, single submitter. Criteria: Ambry Variant Classification Scheme 2023. Collection method: clinical testing. Allele origin: germline.
Comment: The p.D537N variant (also known as c.1609G>A), located in coding exon 7 of the MBD4 gene, results from a G to A substitution at nucleotide position 1609. The aspartic acid at codon 537 is replaced by asparagine, an amino acid with highly similar properties. This amino acid position is conserved. In addition, this alteration is predicted to be tolerated by in silico analysis. Based on the available evidence, the clinical significance of this variant remains unclear.

Labcorp Genetics (formerly Invitae), Labcorp
Classification: Uncertain significance. Last evaluated: 2024-08-12. Review status: criteria provided, single submitter. Criteria: Invitae Variant Classification Sherloc (09022015). Collection method: clinical testing. Allele origin: germline.
Comment: This sequence change replaces aspartic acid, which is acidic and polar, with asparagine, which is neutral and polar, at codon 543 of the MBD4 protein (p.Asp543Asn). This variant is not present in population databases (gnomAD no frequency). This variant has not been reported in the literature in individuals affected with MBD4-related conditions. An algorithm developed to predict the effect of missense changes on protein structure and function (PolyPhen-2) suggests that this variant is likely to be disruptive. In summary, the available evidence is currently insufficient to determine the role of this variant in disease. Therefore, it has been classified as a Variant of Uncertain Significance.

NM_001276270.2(MBD4):c.1609G>A (p.Asp537Asn)

Gene: MBD4 (methyl-CpG binding domain 4, DNA glycosylase; minus strand). Cytogenetic location: 3q21.3.
Variant type: single nucleotide variant.
Coding change: c.1609G>A on transcript NM_001276270.2 (MANE Select); coding-DNA position 1609, G replaced by A.
Protein change: p.Asp537Asn; replaces aspartic acid 537 with asparagine.
Molecular consequence: missense variant. On other transcripts: intron variant (1).
Genome position (GRCh38, 1-based): chr3:129,432,541, C>T on the plus strand (G>A on the coding strand, the complement: MBD4 is on the minus strand). VCF-style: chr3-129432541-C-T. GRCh37 (hg19) VCF-style: chr3-129151384-C-T.
Other names: c.1627G>A, p.Asp543Asn (NM_001276271.2, NM_003925.3); c.673G>A, p.Asp225Asn (NM_001276273.2); c.1612+15G>A (NM_001276272.2); short protein forms D225N, D537N, D543N.
Identifiers: ClinVar variation 3543750 (VCV003543750.3).